The following is an entry in ClinVar:

NM_001036.6(RYR3):c.1234C>T (p.Arg412Trp)

Gene: RYR3 (ryanodine receptor 3; plus strand). Cytogenetic location: 15q14.
Variant type: single nucleotide variant.
Coding change: c.1234C>T on transcript NM_001036.6 (MANE Select); coding-DNA position 1234, C replaced by T.
Protein change: p.Arg412Trp; replaces arginine 412 with tryptophan.
Molecular consequence: missense variant.
Genome position (GRCh38, 1-based): chr15:33,566,765, C>T. VCF-style: chr15-33566765-C-T. GRCh37 (hg19) VCF-style: chr15-33858966-C-T.
Other names: c.1234C>T, p.Arg412Trp (NM_001243996.4); short protein forms R412W.
Identifiers: ClinVar variation 864577 (VCV000864577.9), dbSNP rs772848050, ClinGen allele CA7458062.

ClinVar aggregate classification (germline): Uncertain significance (1 of 4 stars; one submission).

Conditions:
Epileptic encephalopathy. Identifiers: MedGen C0543888, HP:0200134.

Allele frequency attached by ClinVar (database versions not stated): ExAC 0.00002; gnomAD exomes 0.00003 and 0.00005; TOPMed 0.00003.
gnomAD v4.1: 75 of 1,613,584 alleles (0.0046%); highest among the groups gnomAD compares: Admixed American, 0.0067%; no homozygotes.

Submission:

Labcorp Genetics (formerly Invitae), Labcorp
Classification: Uncertain significance for Epileptic encephalopathy. Last evaluated: 2020-09-08. Review status: criteria provided, single submitter. Criteria: Invitae Variant Classification Sherloc (09022015). Collection method: clinical testing. Allele origin: germline.
Comment: This sequence change replaces arginine with tryptophan at codon 412 of the RYR3 protein (p.Arg412Trp). The arginine residue is highly conserved and there is a moderate physicochemical difference between arginine and tryptophan. This variant is present in population databases (rs772848050, ExAC 0.009%). In summary, the available evidence is currently insufficient to determine the role of this variant in disease. Therefore, it has been classified as a Variant of Uncertain Significance. Algorithms developed to predict the effect of missense changes on protein structure and function are either unavailable or do not agree on the potential impact of this missense change (SIFT: "Deleterious"; PolyPhen-2: "Probably Damaging"; Align-GVGD: "Class C0"). This variant has not been reported in the literature in individuals with RYR3-related conditions.